The following is an entry in ClinVar:

NM_005051.3(QARS1):c.1283C>T (p.Thr428Ile)

Gene: QARS1 (glutaminyl-tRNA synthetase 1; minus strand). Cytogenetic location: 3p21.31.
Variant type: single nucleotide variant.
Coding change: c.1283C>T on transcript NM_005051.3 (MANE Select); coding-DNA position 1283, C replaced by T.
Protein change: p.Thr428Ile; replaces threonine 428 with isoleucine.
Molecular consequence: missense variant. On other transcripts: non-coding transcript variant (1).
Genome position (GRCh38, 1-based): chr3:49,099,973, G>A on the plus strand (C>T on the coding strand, the complement: QARS1 is on the minus strand). VCF-style: chr3-49099973-G-A. GRCh37 (hg19) VCF-style: chr3-49137406-G-A.
Other names: c.1250C>T, p.Thr417Ile (NM_001272073.2); short protein forms T428I, T417I.
Identifiers: ClinVar variation 3696608 (VCV003696608.2).

ClinVar aggregate classification (germline): Uncertain significance (1 of 4 stars; one submission).

Conditions:
Diffuse cerebral and cerebellar atrophy - intractable seizures - progressive microcephaly syndrome. Also called: Microcephaly, progressive, with seizures and cerebral and cerebellar atrophy. Identifiers: Orphanet 404437, MedGen C4014239, MONDO:0014335, OMIM 615760.

gnomAD v4.1: 6 of 1,614,170 alleles (0.00037%); highest among the groups gnomAD compares: East Asian, 0.013%; no homozygotes.

Submission:

Labcorp Genetics (formerly Invitae), Labcorp
Classification: Uncertain significance for Diffuse cerebral and cerebellar atrophy - intractable seizures - progressive microcephaly syndrome. Last evaluated: 2024-06-10. Review status: criteria provided, single submitter. Criteria: Invitae Variant Classification Sherloc (09022015). Collection method: clinical testing. Allele origin: germline.
Comment: This sequence change replaces threonine, which is neutral and polar, with isoleucine, which is neutral and non-polar, at codon 428 of the QARS protein (p.Thr428Ile). This variant is not present in population databases (gnomAD no frequency). This variant has not been reported in the literature in individuals affected with QARS-related conditions. Advanced modeling of protein sequence and biophysical properties (such as structural, functional, and spatial information, amino acid conservation, physicochemical variation, residue mobility, and thermodynamic stability) has been performed at Invitae for this missense variant, however the output from this modeling did not meet the statistical confidence thresholds required to predict the impact of this variant on QARS protein function. In summary, the available evidence is currently insufficient to determine the role of this variant in disease. Therefore, it has been classified as a Variant of Uncertain Significance.